The following is an entry in ClinVar:

ClinVar aggregate classification (germline): Uncertain significance (1 of 4 stars; one submission).

Conditions:
Perlman syndrome (PRLMNS). Identifiers: Orphanet 2849, MedGen C0796113, MONDO:0009965, OMIM 267000.

Allele frequency attached by ClinVar (database versions not stated): gnomAD exomes below 0.00001.
gnomAD v4.1: 1 of 1,614,004 alleles (0.000062%); highest among the groups gnomAD compares: Non-Finnish European, 0.000085%; no homozygotes.

Submission:

Labcorp Genetics (formerly Invitae), Labcorp
Classification: Uncertain significance for Perlman syndrome. Last evaluated: 2024-02-07. Review status: criteria provided, single submitter. Criteria: Invitae Variant Classification Sherloc (09022015). Collection method: clinical testing. Allele origin: germline.
Comment: This sequence change replaces threonine, which is neutral and polar, with isoleucine, which is neutral and non-polar, at codon 647 of the DIS3L2 protein (p.Thr647Ile). This variant is not present in population databases (gnomAD no frequency). This variant has not been reported in the literature in individuals affected with DIS3L2-related conditions. ClinVar contains an entry for this variant (Variation ID: 1022421). Advanced modeling of protein sequence and biophysical properties (such as structural, functional, and spatial information, amino acid conservation, physicochemical variation, residue mobility, and thermodynamic stability) performed at Invitae indicates that this missense variant is not expected to disrupt DIS3L2 protein function with a negative predictive value of 80%. In summary, the available evidence is currently insufficient to determine the role of this variant in disease. Therefore, it has been classified as a Variant of Uncertain Significance.

NM_152383.5(DIS3L2):c.1940C>T (p.Thr647Ile)

Gene: DIS3L2 (DIS3 like 3'-5' exoribonuclease 2; plus strand). Cytogenetic location: 2q37.1.
Variant type: single nucleotide variant.
Coding change: c.1940C>T on transcript NM_152383.5 (MANE Select); coding-DNA position 1940, C replaced by T.
Protein change: p.Thr647Ile; replaces threonine 647 with isoleucine.
Molecular consequence: missense variant. On other transcripts: non-coding transcript variant (2), intron variant (1).
Genome position (GRCh38, 1-based): chr2:232,330,706, C>T. VCF-style: chr2-232330706-C-T. GRCh37 (hg19) VCF-style: chr2-233195416-C-T.
Other names: c.1582-12639C>T (NM_001257281.2); short protein forms T647I.
Identifiers: ClinVar variation 1022421 (VCV001022421.8), dbSNP rs1695709880, ClinGen allele CA350976524.